The following is an entry in ClinVar:

ClinVar aggregate classification (germline): Benign/Likely benign. Review status: criteria provided, multiple submitters, no conflicts (2 of 4 stars). 5 submissions from 5 submitters: Benign (3); Likely benign (1). 1 of the submissions does not count toward it. Last evaluated 2026-01-21.

Conditions:
Proteasome-associated autoinflammatory syndrome 3. Identifiers: MedGen C4747850, MONDO:0054699, OMIM 617591.
PSMB9-related disorder. Also called: PSMB9-related condition.

Allele frequency attached by ClinVar (database versions not stated): 1000 Genomes Project 0.22444; 1000 Genomes Project 30x 0.22658; TOPMed 0.24685; ESP Exome Variant Server 0.24804.

Submissions (5):

Women's Health and Genetics/Laboratory Corporation of America, LabCorp
Classification: Likely benign. Last evaluated: 2026-01-21. Review status: criteria provided, single submitter. Criteria: LabCorp Variant Classification Summary - May 2015. Collection method: clinical testing. Allele origin: germline.

Unidad de Genómica Garrahan, Hospital de Pediatría Garrahan
Classification: Benign. Last evaluated: 2023-11-14. Review status: criteria provided, single submitter. Criteria: ACMG Guidelines, 2015. Collection method: clinical testing. Allele origin: germline. Affected: no. Observed: 42 variant alleles.
Comment: This variant is classified as Benign based on local population frequency. This variant was detected in 44% of patients studied by a panel of primary immunodeficiencies. Number of patients: 42. Only high quality variants are reported.

Mayo Clinic Laboratories, Mayo Clinic
Classification: Benign. Last evaluated: 2023-08-11. Review status: criteria provided, single submitter. Criteria: ACMG Guidelines, 2015. Collection method: clinical testing. Allele origin: germline. Observed: 234 variant alleles.
Comment: BA1, BS2, BP4

Genome-Nilou Lab
Classification: Benign for Proteasome-associated autoinflammatory syndrome 3. Last evaluated: 2021-10-25. Review status: criteria provided, single submitter. Criteria: ACMG Guidelines, 2015. Collection method: clinical testing. Allele origin: germline. Affected: no.

PreventionGenetics, part of Exact Sciences
Classification: Benign for PSMB9-related condition. Last evaluated: 2019-10-21. Review status: no assertion criteria provided. Collection method: clinical testing. Allele origin: germline. Not counted in ClinVar's aggregate classification.
Comment: This variant is classified as benign based on ACMG/AMP sequence variant interpretation guidelines (Richards et al. 2015 PMID: 25741868, with internal and published modifications).

NM_002800.5(PSMB9):c.179G>A (p.Arg60His)

Gene: PSMB9 (proteasome 20S subunit beta 9; plus strand). Cytogenetic location: 6p21.32.
Variant type: single nucleotide variant.
Coding change: c.179G>A on transcript NM_002800.5 (MANE Select); coding-DNA position 179, G replaced by A.
Protein change: p.Arg60His; replaces arginine 60 with histidine.
Molecular consequence: missense variant.
Genome position (GRCh38, 1-based): chr6:32,857,313, G>A. VCF-style: chr6-32857313-G-A. GRCh37 (hg19) VCF-style: chr6-32825090-G-A.
Other names: p.Arg60His; short protein forms R60H.
Identifiers: ClinVar variation 1327454 (VCV001327454.8), dbSNP rs17587, ClinGen allele CA3747202.